The following is an entry in ClinVar:

NM_020631.4(PLEKHG5):c.-6014G>C

Gene: PLEKHG5 (pleckstrin homology and RhoGEF domain containing G5; minus strand). Cytogenetic location: 1p36.31.
Variant type: single nucleotide variant.
Coding change: c.-6014G>C on transcript NM_020631.4; 6014 bases upstream of the start codon, G replaced by C.
Molecular consequence: intron variant (on NM_198681.4).
Genome position (GRCh38, 1-based): chr1:6,497,563, C>G on the plus strand (G>C on the coding strand, the complement: PLEKHG5 is on the minus strand). VCF-style: chr1-6497563-C-G. GRCh37 (hg19) VCF-style: chr1-6557623-C-G.
Other names: c.-164-994G>C (NM_198681.4).
Identifiers: ClinVar variation 667920 (VCV000667920.3), dbSNP rs147932947, ClinGen allele CA10871014.

ClinVar aggregate classification (germline): Benign (1 of 4 stars; one submission).

Allele frequency attached by ClinVar (database versions not stated): 1000 Genomes Project 30x 0.03654; gnomAD exomes 0.05872; 1000 Genomes Project 0.03754; TOPMed 0.04674; gnomAD 0.05130 and 0.05196.
gnomAD v4.1: 7,919 of 153,152 alleles (5.2%); highest among the groups gnomAD compares: Middle Eastern, 7.4%; 224 homozygotes.

Submission:

GeneDx
Classification: Benign. Last evaluated: 2018-06-19. Review status: criteria provided, single submitter. Criteria: GeneDx Variant Classification (06012015). Collection method: clinical testing. Allele origin: germline. Affected: yes.
Comment: This variant is considered likely benign or benign based on one or more of the following criteria: it is a conservative change, it occurs at a poorly conserved position in the protein, it is predicted to be benign by multiple in silico algorithms, and/or has population frequency not consistent with disease.